The following is an entry in ClinVar:

ClinVar aggregate classification (germline): Uncertain significance (1 of 4 stars; one submission).

Conditions:
Holoprosencephaly 3 (HPE3). Identifiers: Orphanet 2162, MedGen C1840529, MONDO:0007733, OMIM 142945.

Submission:

Labcorp Genetics (formerly Invitae), Labcorp
Classification: Uncertain significance for Holoprosencephaly 3. Last evaluated: 2023-05-18. Review status: criteria provided, single submitter. Criteria: Invitae Variant Classification Sherloc (09022015). Collection method: clinical testing. Allele origin: germline.
Comment: This variant occurs in a non-coding region of the SHH gene. It does not change the encoded amino acid sequence of the SHH protein. This variant is not present in population databases (gnomAD no frequency). This variant has not been reported in the literature in individuals affected with SHH-related conditions. Experimental studies and prediction algorithms are not available or were not evaluated, and the functional significance of this variant is currently unknown. In summary, the available evidence is currently insufficient to determine the role of this variant in disease. Therefore, it has been classified as a Variant of Uncertain Significance.

NC_000007.14:g.156795970G>C

Genes: LMBR1 (limb development membrane protein 1; minus strand), SHH (sonic hedgehog signaling molecule; minus strand). Cytogenetic location: 7q36.3.
Variant type: single nucleotide variant.
Molecular consequence: intron variant (on NM_022458.4).
Genome position: GRCh38 VCF-style: chr7-156795970-G-C. GRCh37 (hg19) VCF-style: chr7-156588664-G-C.
Other names: c.360+419C>G (NM_001363412.2); c.144+419C>G (NM_001350954.2); c.423+419C>G (NM_001363410.2, NM_022458.4, NM_001363409.2 and 1 more transcripts); c.-112+419C>G (NM_001350958.2, NM_001350956.2, NM_001350955.2 and 1 more transcripts); c.54+419C>G (NM_001350957.2, NM_001363411.2).
Identifiers: ClinVar variation 2873949 (VCV002873949.3), dbSNP rs2536193733, ClinGen allele CA2739277993.
Genomic context (GRCh38, chr7:156,795,970, plus strand): 5'-GCATAAAAGCCAGTTTTCTTAATGTCAGGTTTGACTGCCAGAGTCATTCATTCTGATCCT[G>C]GTATATTTACTAAATGTGAAATCAGCTGTCAGTTTTCAGCTGCAGACTGTTAACGTATGG-3'